The following is an entry in ClinVar:

ClinVar aggregate classification (germline): Uncertain significance. Review status: criteria provided, multiple submitters, no conflicts (2 of 4 stars). 2 submissions from 2 submitters: Uncertain significance (2). Last evaluated 2026-07-06.

Conditions:
Hereditary cancer-predisposing syndrome. Also called: Tumor predisposition; Hereditary Cancer Syndrome; Hereditary neoplastic syndrome; Neoplastic Syndromes, Hereditary. Identifiers: Orphanet 140162, MedGen C0027672, MeSH D009386, MONDO:0015356.
DICER1-related tumor predisposition. Also called: DICER1 syndrome; DICER1-related pleuropulmonary blastoma cancer predisposition syndrome. Identifiers: Orphanet 284343, MedGen C3839822, MONDO:0100216.

Submissions (2):

Ambry Genetics
Classification: Uncertain significance for Hereditary cancer-predisposing syndrome. Last evaluated: 2026-07-06. Review status: criteria provided, single submitter. Criteria: Ambry Variant Classification Scheme 2023. Collection method: clinical testing. Allele origin: germline.
Comment: The p.T662R variant (also known as c.1985C>G), located in coding exon 11 of the DICER1 gene, results from a C to G substitution at nucleotide position 1985. The threonine at codon 662 is replaced by arginine, an amino acid with similar properties. This amino acid position is conserved. In addition, the in silico prediction for this alteration is inconclusive. Based on the available evidence, the clinical significance of this variant remains unclear.

Labcorp Genetics (formerly Invitae), Labcorp
Classification: Uncertain significance for DICER1-related tumor predisposition. Last evaluated: 2023-12-07. Review status: criteria provided, single submitter. Criteria: Invitae Variant Classification Sherloc (09022015). Collection method: clinical testing. Allele origin: germline.
Comment: This sequence change replaces threonine, which is neutral and polar, with arginine, which is basic and polar, at codon 662 of the DICER1 protein (p.Thr662Arg). This variant is not present in population databases (gnomAD no frequency). This variant has not been reported in the literature in individuals affected with DICER1-related conditions. ClinVar contains an entry for this variant (Variation ID: 2127847). Advanced modeling of protein sequence and biophysical properties (such as structural, functional, and spatial information, amino acid conservation, physicochemical variation, residue mobility, and thermodynamic stability) performed at Invitae indicates that this missense variant is not expected to disrupt DICER1 protein function with a negative predictive value of 80%. In summary, the available evidence is currently insufficient to determine the role of this variant in disease. Therefore, it has been classified as a Variant of Uncertain Significance.

NM_177438.3(DICER1):c.1985C>G (p.Thr662Arg)

Gene: DICER1 (dicer 1, ribonuclease III; minus strand). Cytogenetic location: 14q32.13.
Variant type: single nucleotide variant.
Coding change: c.1985C>G on transcript NM_177438.3 (MANE Select); coding-DNA position 1985, C replaced by G.
Protein change: p.Thr662Arg; replaces threonine 662 with arginine.
Molecular consequence: missense variant. On other transcripts: non-coding transcript variant (6).
Genome position (GRCh38, 1-based): chr14:95,113,147, G>C on the plus strand (C>G on the coding strand, the complement: DICER1 is on the minus strand). VCF-style: chr14-95113147-G-C. GRCh37 (hg19) VCF-style: chr14-95579484-G-C.
Other names: c.1985C>G, p.Thr662Arg (NM_001195573.1, NM_001271282.3, NM_001291628.2 and 13 more transcripts); c.1703C>G, p.Thr568Arg (NM_001395686.1); c.1580C>G, p.Thr527Arg (NM_001395687.1, NM_001395688.1, NM_001395689.1 and 3 more transcripts); c.1418C>G, p.Thr473Arg (NM_001395691.1); c.302C>G, p.Thr101Arg (NM_001395697.1); short protein forms T568R, T101R, T527R, T473R, T662R.
Identifiers: ClinVar variation 2127847 (VCV002127847.5), dbSNP rs2542953825, ClinGen allele CA390883274.
Genomic context (GRCh38, chr14:95,113,147, plus strand): 5'-CTTACAACAATGGAGGCTCGAAGAGGTGAGTTAATTGGCAGATAAAGAGTTGAATAAAAT[G>C]TACCATCAGGCAACTCTCGGGTTCTGCATTTAGGAGCTAGATGAGTAAACGGATCACTTG-3'
Protein context (NP_803187.1, residues 652-672): KCRTRELPDG[Thr662Arg]FYSTLYLPIN